The following is an entry in ClinVar:

ClinVar aggregate classification (germline): Uncertain significance. Review status: criteria provided, multiple submitters, no conflicts (2 of 4 stars). 3 submissions from 3 submitters: Uncertain significance (3). Last evaluated 2026-04-20.

Allele frequency attached by ClinVar (database versions not stated): ExAC 0.00011; 1000 Genomes Project 0.00020; gnomAD 0.00042; 1000 Genomes Project 30x 0.00016; gnomAD exomes 0.00021; TOPMed 0.00042; ESP Exome Variant Server 0.00054.
gnomAD v4.1: 365 of 1,614,146 alleles (0.023%); highest among the groups gnomAD compares: African/African-American, 0.093%; 1 homozygote.

Submissions (3):

GeneDx
Classification: Uncertain significance. Last evaluated: 2026-04-20. Review status: criteria provided, single submitter. Criteria: GeneDx Variant Classification Process June 2021. Collection method: clinical testing. Allele origin: germline.
Comment: In silico analysis supports that this missense variant has a deleterious effect on protein structure/function; Has not been previously published as pathogenic or benign to our knowledge

Ambry Genetics
Classification: Uncertain significance. Last evaluated: 2024-11-12. Review status: criteria provided, single submitter. Criteria: Ambry Variant Classification Scheme 2023. Collection method: clinical testing. Allele origin: germline.

Labcorp Genetics (formerly Invitae), Labcorp
Classification: Uncertain significance. Last evaluated: 2023-10-15. Review status: criteria provided, single submitter. Criteria: Invitae Variant Classification Sherloc (09022015). Collection method: clinical testing. Allele origin: germline.
Comment: This sequence change replaces valine, which is neutral and non-polar, with alanine, which is neutral and non-polar, at codon 154 of the ATIC protein (p.Val154Ala). This variant is present in population databases (rs145011610, gnomAD 0.08%). This variant has not been reported in the literature in individuals affected with ATIC-related conditions. Advanced modeling of protein sequence and biophysical properties (such as structural, functional, and spatial information, amino acid conservation, physicochemical variation, residue mobility, and thermodynamic stability) performed at Invitae indicates that this missense variant is not expected to disrupt ATIC protein function. In summary, the available evidence is currently insufficient to determine the role of this variant in disease. Therefore, it has been classified as a Variant of Uncertain Significance.

NM_004044.7(ATIC):c.461T>C (p.Val154Ala)

Gene: ATIC (5-aminoimidazole-4-carboxamide ribonucleotide formyltransferase/IMP cyclohydrolase; plus strand). Cytogenetic location: 2q35.
Variant type: single nucleotide variant.
Coding change: c.461T>C on transcript NM_004044.7 (MANE Select); coding-DNA position 461, T replaced by C.
Protein change: p.Val154Ala; replaces valine 154 with alanine.
Molecular consequence: missense variant.
Genome position (GRCh38, 1-based): chr2:215,326,068, T>C. VCF-style: chr2-215326068-T-C. GRCh37 (hg19) VCF-style: chr2-216190791-T-C.
Other names: c.461T>C (NM_004044.6); short protein forms V154A.
Identifiers: ClinVar variation 2701715 (VCV002701715.3), dbSNP rs145011610, ClinGen allele CA2092967.
Genomic context (GRCh38, chr2:215,326,068, plus strand): 5'-CTGCAGCCAAAAACCACGCTCGAGTGACAGTGGTGTGTGAACCAGAGGACTATGTGGTGG[T>C]GTCCACGGAGATGCAGAGCTCCGAGAGTAAGGACACCTCCTTGGAGACTAGACGCCAGTT-3'
Protein context (NP_004035.2, residues 144-164): VVCEPEDYVV[Val154Ala]STEMQSSESK